The following is an entry in ClinVar:

ClinVar aggregate classification (germline): Uncertain significance (1 of 4 stars; one submission).

Submission:

Greenwood Genetic Center Diagnostic Laboratories, Greenwood Genetic Center
Classification: Uncertain significance. Last evaluated: 2025-04-08. Review status: criteria provided, single submitter. Criteria: ACMG Guidelines, 2015. Collection method: clinical testing. Allele origin: germline. Affected: yes.
Comment: PM2

NM_004500.4(HNRNPC):c.*736del

Gene: HNRNPC (heterogeneous nuclear ribonucleoprotein C; minus strand). Cytogenetic location: 14q11.2.
Variant type: Deletion.
Coding change: c.*736del on transcript NM_004500.4 (MANE Select); 736 bases downstream of the stop codon, one base deleted (T; older notation c.*736delT).
Molecular consequence: 3 prime UTR variant.
Genome position (GRCh38, 1-based): chr14:21,210,487, A deleted on the plus strand (T on the coding strand, the reverse complement: HNRNPC is on the minus strand). VCF-style (leftmost placement, unchanged base first): chr14-21210486-GA-G. GRCh37 (hg19) VCF-style: chr14-21678645-GA-G.
Other names: c.*736del (NM_001077442.2, NM_001077443.2, NM_031314.3).
Identifiers: ClinVar variation 4538290 (VCV004538290.1).
Genomic context (GRCh38, chr14:21,210,486, plus strand): 5'-TGCATCATGATTATGACTCCAAGAAAAATATATCTAGTGCATTCTAGAGGTTTTGTGGAG[GA>G]CGCTGTAAAACAAAGTTTGAAGTAAACAATAATAAAATACAAAAATAAAAAACCAGGGTT-3'